The following is an entry in ClinVar:

ClinVar aggregate classification (germline): Uncertain significance (1 of 4 stars; one submission).

Conditions:
Cardiovascular phenotype. Identifiers: MedGen CN230736.

Submission:

Ambry Genetics
Classification: Uncertain significance for Cardiovascular phenotype. Last evaluated: 2025-09-04. Review status: criteria provided, single submitter. Criteria: Ambry Variant Classification Scheme 2023. Collection method: clinical testing. Allele origin: germline.
Comment: The p.E59K variant (also known as c.175G>A), located in coding exon 1 of the ZNF469 gene, results from a G to A substitution at nucleotide position 175. The glutamic acid at codon 59 is replaced by lysine, an amino acid with similar properties. This amino acid position is conserved. In addition, this alteration is predicted to be tolerated by in silico analysis. Based on the available evidence, the clinical significance of this variant remains unclear.

NM_001127464.1:c.175G>A

Gene: ZNF469 (zinc finger protein 469; plus strand).
Variant type: single nucleotide variant.
Identifiers: ClinVar variation 4209236 (VCV004209236.1).